The following is an entry in ClinVar:

NM_000222.3(KIT):c.44T>C (p.Leu15Pro)

Gene: KIT (KIT proto-oncogene, receptor tyrosine kinase; plus strand). Cytogenetic location: 4q12.
Variant type: single nucleotide variant.
Coding change: c.44T>C on transcript NM_000222.3 (MANE Select); coding-DNA position 44, T replaced by C.
Protein change: p.Leu15Pro; replaces leucine 15 with proline.
Molecular consequence: missense variant.
Genome position (GRCh38, 1-based): chr4:54,658,058, T>C. VCF-style: chr4-54658058-T-C. GRCh37 (hg19) VCF-style: chr4-55524225-T-C.
Other names: c.44T>C, p.Leu15Pro (NM_001093772.2, NM_001385284.1, NM_001385285.1 and 4 more transcripts); c.44T>C (NM_000222.2); short protein forms L15P.
Identifiers: ClinVar variation 1361054 (VCV001361054.8), dbSNP rs1230808481, ClinGen allele CA356897974.
Genomic context (GRCh38, chr4:54,658,058, plus strand): 5'-CCATCGCAGCTACCGCGATGAGAGGCGCTCGCGGCGCCTGGGATTTTCTCTGCGTTCTGC[T>C]CCTACTGCTTCGCGTCCAGACAGGTGGGACACCGCGGCTGGCACCCCGACCGTGCGACTA-3'
Protein context (NP_000213.1, residues 5-25): RGAWDFLCVL[Leu15Pro]LLLRVQTGSS

ClinVar aggregate classification (germline): Uncertain significance. Review status: criteria provided, multiple submitters, no conflicts (2 of 4 stars). 3 submissions from 3 submitters: Uncertain significance (3). Last evaluated 2026-01-12.

Conditions:
Gastrointestinal stromal tumor. Also called: Gastrointestinal stroma tumor; Gastrointestinal stromal tumor, somatic. Identifiers: Orphanet 44890, MedGen C0238198, MeSH D046152, MONDO:0011719, OMIM 606764, HP:0100723.
Hereditary cancer-predisposing syndrome. Also called: Tumor predisposition; Hereditary Cancer Syndrome; Hereditary neoplastic syndrome; Neoplastic Syndromes, Hereditary. Identifiers: Orphanet 140162, MedGen C0027672, MeSH D009386, MONDO:0015356.

Allele frequency attached by ClinVar (database versions not stated): gnomAD exomes below 0.00001; TOPMed below 0.00001.

Submissions (3):

Labcorp Genetics (formerly Invitae), Labcorp
Classification: Uncertain significance for Gastrointestinal stromal tumor. Last evaluated: 2026-01-12. Review status: criteria provided, single submitter. Criteria: Invitae Variant Classification Sherloc (09022015). Collection method: clinical testing. Allele origin: germline.
Comment: This sequence change replaces leucine, which is neutral and non-polar, with proline, which is neutral and non-polar, at codon 15 of the KIT protein (p.Leu15Pro). This variant is present in population databases (no rsID available, gnomAD 0.003%). This variant has not been reported in the literature in individuals affected with KIT-related conditions. ClinVar contains an entry for this variant (Variation ID: 1361054). An algorithm developed to predict the effect of missense changes on protein structure and function (PolyPhen-2) suggests that this variant is likely to be tolerated. In summary, the available evidence is currently insufficient to determine the role of this variant in disease. Therefore, it has been classified as a Variant of Uncertain Significance.

Ambry Genetics
Classification: Uncertain significance for Hereditary cancer-predisposing syndrome. Last evaluated: 2023-12-08. Review status: criteria provided, single submitter. Criteria: Ambry Variant Classification Scheme 2023. Collection method: clinical testing. Allele origin: germline.
Comment: The p.L15P variant (also known as c.44T>C), located in coding exon 1 of the KIT gene, results from a T to C substitution at nucleotide position 44. The leucine at codon 15 is replaced by proline, an amino acid with similar properties. This amino acid position is conserved. In addition, the in silico prediction for this alteration is inconclusive. Since supporting evidence is limited at this time, the clinical significance of this alteration remains unclear.

Baylor Genetics
Classification: Uncertain significance for Gastrointestinal stromal tumor. Last evaluated: 2023-05-14. Review status: criteria provided, single submitter. Criteria: ACMG Guidelines, 2015. Collection method: clinical testing. Allele origin: unknown.